The following is an entry in ClinVar:

ClinVar aggregate classification (germline): Pathogenic. Review status: criteria provided, single submitter (1 of 4 stars). 2 submissions from 2 submitters: Pathogenic (1). 1 of the submissions does not count toward it. Last evaluated 2025-07-18.

Conditions:
Malignant tumor of urinary bladder. Also called: Bladder cancer; Urinary bladder cancer; Urinary Bladder Neoplasms. Identifiers: MedGen C0005684, MONDO:0001187, OMIM 109800.

Submissions (2):

GeneDx
Classification: Pathogenic. Last evaluated: 2025-07-18. Review status: criteria provided, single submitter. Criteria: GeneDx Variant Classification Process June 2021. Collection method: clinical testing. Allele origin: germline. Affected: yes.
Comment: Observed in an individual with a neurodevelopmental disorder from a cohort of patients with a BAFopathy; however detailed clinical information was not provided (PMID: 35904121); Nonsense variant predicted to result in protein truncation or nonsense mediated decay in a gene for which loss of function is a known mechanism of disease; Not observed at significant frequency in large population cohorts (gnomAD); This variant is associated with the following publications: (PMID: 35904121)

Laboratory of Urology, Hospital Clinic de Barcelona
Classification: Pathogenic for Malignant tumor of urinary bladder. Review status: no assertion criteria provided. Collection method: research. Allele origin: somatic. Affected: yes. Not counted in ClinVar's aggregate classification.

NM_006015.6(ARID1A):c.2323C>T (p.Gln775Ter)

Gene: ARID1A (AT-rich interaction domain 1A; plus strand). Cytogenetic location: 1p36.11.
Variant type: single nucleotide variant.
Coding change: c.2323C>T on transcript NM_006015.6 (MANE Select); coding-DNA position 2323, C replaced by T.
Protein change: p.Gln775Ter; replaces glutamine 775 with a stop codon.
Molecular consequence: nonsense.
Genome position (GRCh38, 1-based): chr1:26,762,223, C>T. VCF-style: chr1-26762223-C-T. GRCh37 (hg19) VCF-style: chr1-27088714-C-T.
Other names: c.2323C>T, p.Gln775Ter (NM_139135.4); short protein forms Q775*.
Identifiers: ClinVar variation 2582265 (VCV002582265.2), dbSNP rs2124063616, ClinGen allele CA339155223.